The following is an entry in ClinVar:

ClinVar aggregate classification (germline): Uncertain significance (1 of 4 stars; one submission).

Submission:

GeneDx
Classification: Uncertain significance. Last evaluated: 2019-07-30. Review status: criteria provided, single submitter. Criteria: GeneDx Variant Classification Process June 2021. Collection method: clinical testing. Allele origin: germline. Affected: yes.
Comment: Not observed in large population cohorts (Lek et al., 2016); In silico analysis, which includes protein predictors and evolutionary conservation, supports a deleterious effect; Has not been previously published as pathogenic or benign to our knowledge

NM_001278116.2(L1CAM):c.3140T>C (p.Phe1047Ser)

Gene: L1CAM (L1 cell adhesion molecule; minus strand). Cytogenetic location: Xq28.
Variant type: single nucleotide variant.
Coding change: c.3140T>C on transcript NM_001278116.2 (MANE Select); coding-DNA position 3140, T replaced by C.
Protein change: p.Phe1047Ser; replaces phenylalanine 1047 with serine.
Molecular consequence: missense variant.
Genome position (GRCh38, 1-based): chrX:153,864,611, A>G on the plus strand (T>C on the coding strand, the complement: L1CAM is on the minus strand). VCF-style: chrX-153864611-A-G. GRCh37 (hg19) VCF-style: chrX-153130066-A-G.
Other names: c.3140T>C, p.Phe1047Ser (NM_000425.5, NM_024003.3); c.3125T>C, p.Phe1042Ser (NM_001143963.2); short protein forms F1042S, F1047S.
Identifiers: ClinVar variation 1304596 (VCV001304596.2), dbSNP rs2148493416, ClinGen allele CA415111660.